The following is an entry in ClinVar:

NM_022367.4(SEMA4A):c.1889G>T (p.Gly630Val)

Gene: SEMA4A (semaphorin 4A; plus strand). Cytogenetic location: 1q22.
Variant type: single nucleotide variant.
Coding change: c.1889G>T on transcript NM_022367.4 (MANE Select); coding-DNA position 1889, G replaced by T.
Protein change: p.Gly630Val; replaces glycine 630 with valine.
Molecular consequence: missense variant.
Genome position (GRCh38, 1-based): chr1:156,176,600, G>T. VCF-style: chr1-156176600-G-T. GRCh37 (hg19) VCF-style: chr1-156146391-G-T.
Other names: c.1889G>T, p.Gly630Val (NM_001193300.2, NM_001193301.2, NM_001370567.1); c.1493G>T, p.Gly498Val (NM_001193302.2); c.1592G>T, p.Gly531Val (NM_001370568.1); c.1382G>T, p.Gly461Val (NM_001370569.1, NM_001370571.1); short protein forms G461V, G498V, G531V, G630V.
Identifiers: ClinVar variation 2065799 (VCV002065799.4), dbSNP rs2528325184, ClinGen allele CA342812414.

ClinVar aggregate classification (germline): Uncertain significance (1 of 4 stars; one submission).

Submission:

Labcorp Genetics (formerly Invitae), Labcorp
Classification: Uncertain significance. Last evaluated: 2024-12-02. Review status: criteria provided, single submitter. Criteria: Invitae Variant Classification Sherloc (09022015). Collection method: clinical testing. Allele origin: germline.
Comment: This sequence change replaces glycine, which is neutral and non-polar, with valine, which is neutral and non-polar, at codon 630 of the SEMA4A protein (p.Gly630Val). This variant is not present in population databases (gnomAD no frequency). This variant has not been reported in the literature in individuals affected with SEMA4A-related conditions. ClinVar contains an entry for this variant (Variation ID: 2065799). Invitae Evidence Modeling of protein sequence and biophysical properties (such as structural, functional, and spatial information, amino acid conservation, physicochemical variation, residue mobility, and thermodynamic stability) indicates that this missense variant is not expected to disrupt SEMA4A protein function with a negative predictive value of 80%. In summary, the available evidence is currently insufficient to determine the role of this variant in disease. Therefore, it has been classified as a Variant of Uncertain Significance.